The following is an entry in ClinVar:

NM_206926.2(SELENON):c.895_898del (p.Val299fs)

Gene: SELENON (selenoprotein N; plus strand). Cytogenetic location: 1p36.11.
Variant type: Deletion.
Coding change: c.895_898del on transcript NM_206926.2 (MANE Select); coding-DNA positions 895 to 898, 4 bases deleted (GTGC; older notation c.895_898delGTGC).
Protein change: p.Val299fs; shifts the reading frame from valine 299.
Molecular consequence: frameshift variant.
Genome position (GRCh38, 1-based): chr1:25,809,807-25,809,810, GTGC deleted; deleting any 4 consecutive bases within chr1:25,809,806-25,809,810 gives the same sequence; the c. name uses the placement nearest the transcript's 3' end. VCF-style (leftmost placement, unchanged base first): chr1-25809805-TCGTG-T. GRCh37 (hg19) VCF-style: chr1-26136296-TCGTG-T.
Other names: NM_020451.3(SELENON):c.997_1000del; p.Val333fs; p.Val333Profs*6; c.997_1000del, p.Val333fs (NM_020451.3); c.997_1000del (NM_020451.2); short protein forms V299fs, V333fs.
Identifiers: ClinVar variation 280493 (VCV000280493.21), dbSNP rs886041686, ClinGen allele CA10602766.
Genomic context (GRCh38, chr1:25,809,805, plus strand): 5'-AGTTCACCGGCCACATCATCCTCTCCAAAGACGCCACCCACGTCCGCGACTTCCGGCTCT[TCGTG>T]CCCAACCACAGGTGGGAGCTTGACCCTGGCCCAGCCTTGGCTCCCTCCTACAGCTTGTCC-3'

ClinVar aggregate classification (germline): Pathogenic. Review status: criteria provided, multiple submitters, no conflicts (2 of 4 stars). 7 submissions from 7 submitters: Pathogenic (7). Last evaluated 2025-10-27.

Conditions:
Eichsfeld type congenital muscular dystrophy (CMYO3). Also called: MYOPATHY, SEPN1-RELATED; Rigid spine muscular dystrophy 1; SELENON-related myopathy; Congenital myopathy 3 with rigid spine. Identifiers: MedGen C0410180, MONDO:0100100, OMIM 602771.
Congenital myopathy with fiber type disproportion. Also called: Congenital fiber-type disproportion; Congenital fiber-type disproportion myopathy. Identifiers: Orphanet 2020, MedGen C0546264, MONDO:0009711. Inheritance: all.

Submissions (7):

Labcorp Genetics (formerly Invitae), Labcorp
Classification: Pathogenic for Eichsfeld type congenital muscular dystrophy. Last evaluated: 2025-10-27. Review status: criteria provided, single submitter. Criteria: Invitae Variant Classification Sherloc (09022015). Collection method: clinical testing. Allele origin: germline.
Comment: This sequence change creates a premature translational stop signal (p.Val333Profs*6) in the SELENON gene. It is expected to result in an absent or disrupted protein product. Loss-of-function variants in SELENON are known to be pathogenic (PMID: 21131290, 21670436). This variant is present in population databases (no rsID available, gnomAD 0.003%). This premature translational stop signal has been observed in individuals with congenital myopathy (PMID: 27447704, 33652732). ClinVar contains an entry for this variant (Variation ID: 280493). For these reasons, this variant has been classified as Pathogenic.

Mayo Clinic Laboratories, Mayo Clinic
Classification: Pathogenic. Last evaluated: 2025-10-23. Review status: criteria provided, single submitter. Criteria: ACMG Guidelines, 2015. Collection method: clinical testing. Allele origin: germline. Observed: 2 variant alleles.
Comment: PM2_moderate, PM3, PVS1

3billion
Classification: Pathogenic for Eichsfeld type congenital muscular dystrophy. Last evaluated: 2024-08-12. Review status: criteria provided, single submitter. Criteria: ACMG Guidelines, 2015. Collection method: clinical testing. Allele origin: germline. Affected: yes.
Comment: The variant is observed at an extremely low frequency in the gnomAD v4.0.0 dataset (total allele frequency: 0.003%). Predicted Consequence/Location: Frameshift: predicted to result in a loss or disruption of normal protein function through nonsense-mediated decay (NMD) or protein truncation. Multiple pathogenic variants are reported downstream of the variant. The variant has been reported at least twice as pathogenic with clinical assertions and evidence for the classification (ClinVar ID: VCV000280493 /PMID: 27447704). Therefore, this variant is classified as Pathogenic according to the recommendation of ACMG/AMP guideline.

Broad Center for Mendelian Genomics, Broad Institute of MIT and Harvard
Classification: Pathogenic. Last evaluated: 2023-01-24. Review status: criteria provided, single submitter. Criteria: ACMG Guidelines, 2015. Collection method: curation. Allele origin: germline. Inheritance: Autosomal recessive inheritance.
Comment: The p.Val333fs variant in SELENON has been reported in 6 individuals with SELENON-RM (PMID: 33652732, 27447704, 30921636), segregated with disease in 1 affected relative from 1 family (PMID: 33652732), and has been identified in 0.003% (3/113256) of European (non-Finnish) chromosomes by the Genome Aggregation Database (gnomAD; dbSNP ID: rs1160635936). Although this variant has been seen in the general population in a heterozygous state, its frequency is low enough to be consistent with a recessive carrier frequency. This variant has also been reported in ClinVar (Variation ID#: 280493) and has been interpreted as pathogenic by GeneDx, Invitae, GeneOne (DASA), and PerkinElmer Genomics. Of the 6 affected individuals, 2 of those were homozygotes, 1 was a compound heterozygote that carried a reported pathogenic variants in trans, and 2 were compound heterozygotes that carried reported pathogenic variants with unknown phase, which increases the likelihood that the p.Val333fs variant is pathogenic (VariationID: 4494; PMID: 27447704, 30921636). This variant is predicted to cause a frameshift, which alters the protein‚Äôs amino acid sequence beginning at position 333 and leads to a premature termination codon 6 amino acids downstream. This alteration is then predicted to lead to a truncated or absent protein. Loss of function of the SELENON gene is an established disease mechanism in autosomal recessive SELENON-RM. In summary, this variant meets criteria to be classified as pathogenic for autosomal recessive SELENON-RM. ACMG/AMP Criteria applied: PVS1, PM2_supporting, PM3_strong (Richards 2015).

MGZ Medical Genetics Center
Classification: Pathogenic for Eichsfeld type congenital muscular dystrophy. Last evaluated: 2022-02-16. Review status: criteria provided, single submitter. Criteria: ACMG Guidelines, 2015. Collection method: clinical testing. Allele origin: germline. Affected: yes. Observed: 1 variant allele.
Comment: ACMG criteria applied: PVS1, PS4_MOD, PM3, PM2_SUP

Dasa
Classification: Pathogenic for Congenital myopathy with fiber type disproportion. Last evaluated: 2022-01-05. Review status: criteria provided, single submitter. Criteria: ACMG Guidelines, 2015. Collection method: clinical testing. Allele origin: germline. Affected: yes. Observed: 1 variant allele.
Comment: The c.997_1000del;p.(Val333Profs*?) is a null frameshift variant (NMD) in the SELENON gene and predicts alteration of the nonsense-mediate decay - NMD is present in a relevantexon to the transcript -PVS1. This sequence change has been observed in affected individual(s) and ClinVar contains an entry for this variant(Clinvar ID: 280493; PMID: 27447704; 30921636) - PS4. The variant is present at low allele frequencies population databases (rs886041686– gnomAD 0.001314%; ABraOM no frequency) - PM2_supporting. The p.(Val333Profs*?) was detected in trans with a pathogenic variant (PMID: 27447704; 30921636) - PM3. In summary, the currently available evidence indicates that the variant is pathogenic.

GeneDx
Classification: Pathogenic. Last evaluated: 2016-04-11. Review status: criteria provided, single submitter. Criteria: GeneDx Variant Classification (06012015). Collection method: clinical testing. Allele origin: germline. Affected: yes.
Comment: The c.997_1000delGTGC pathogenic variant in the SEPN1 gene has not been reported previously as a pathogenic variant nor as a benign variant, to our knowledge. The c.997_1000delGTGC variant causes a frameshift starting with codon Valine 333, changes this amino acid to a Proline residue, and creates a premature Stop codon at position 6 of the new reading frame, denoted p.Val333ProfsX6. This variant is predicted to cause loss of normal protein function either through protein truncation or nonsense-mediated mRNA decay. The c.997_1000delGTGC variant was not observed at any significant frequency in approximately 6400 individuals of European and African American ancestry in the NHLBI Exome Sequencing Project, indicating it is not a common benign variant in these populations. We interpret c.997_1000delGTGC as a pathogenic variant.

Literature cited by the submitters: PubMed 21131290 (cited by Labcorp Genetics (formerly Invitae), Labcorp); PubMed 21670436 (cited by Labcorp Genetics (formerly Invitae), Labcorp); PubMed 27447704 (cited by 4 submitters); PubMed 33652732 (cited by Labcorp Genetics (formerly Invitae), Labcorp and Mayo Clinic Laboratories, Mayo Clinic); PubMed 30921636 (cited by Mayo Clinic Laboratories, Mayo Clinic and Dasa); PubMed 35606766 (cited by Mayo Clinic Laboratories, Mayo Clinic).